The following is an entry in ClinVar:

ClinVar aggregate classification (germline): Benign (0 of 4 stars; one submission).

Conditions:
DCHS2-related disorder. Also called: DCHS2-related condition.

Allele frequency attached by ClinVar (database versions not stated): 1000 Genomes Project 30x 0.66505; 1000 Genomes Project 0.66953; TOPMed 0.69356; ESP Exome Variant Server 0.73297; gnomAD 0.73407.
gnomAD v4.1: 1,422,503 of 1,613,736 alleles (88%); highest among the groups gnomAD compares: Non-Finnish European, 93%; 642,482 homozygotes.

Submission:

PreventionGenetics, part of Exact Sciences
Classification: Benign for DCHS2-related condition. Last evaluated: 2019-10-17. Review status: no assertion criteria provided. Collection method: clinical testing. Allele origin: germline.
Comment: This variant is classified as benign based on ACMG/AMP sequence variant interpretation guidelines (Richards et al. 2015 PMID: 25741868, with internal and published modifications).

NM_001358235.2(DCHS2):c.9597C>T (p.Asp3199=)

Genes: DCHS2-AS1 (DCHS2 antisense RNA 1; plus strand), DCHS2 (dachsous cadherin-related 2; minus strand). Cytogenetic location: 4q31.3.
Variant type: single nucleotide variant.
Coding change: c.9597C>T on transcript NM_001358235.2 (MANE Select); coding-DNA position 9597, C replaced by T.
Protein change: p.Asp3199=; no amino-acid change (aspartic acid 3199 retained).
Molecular consequence: synonymous variant.
Genome position (GRCh38, 1-based): chr4:154,235,055, G>A on the plus strand (C>T on the coding strand, the complement: DCHS2 is on the minus strand). VCF-style: chr4-154235055-G-A. GRCh37 (hg19) VCF-style: chr4-155156207-G-A.
Identifiers: ClinVar variation 3059022 (VCV003059022.2), dbSNP rs7655799, ClinGen allele CA3111716.
Genomic context (GRCh38, chr4:154,235,055, plus strand): 5'-TGAAAGAGCTGCACACCTTACTTCCTGATCACCTGAAATAAAGACAGACTCTTTTCTAAC[G>A]TCAGCCAGGATGCTCTCTTTTGCCTCTCTCTTCTGAACTGTCTGGGGTAACACATTATTT-3'
Protein context (NP_001345164.1, residues 3189-3209): KREAKESILA[Asp3199=]VRKESVFISG